The following is an entry in ClinVar:

NM_001011551.3(C1GALT1C1):c.938A>G (p.Asn313Ser)

Gene: C1GALT1C1 (C1GALT1 specific chaperone 1; minus strand). Cytogenetic location: Xq24.
Variant type: single nucleotide variant.
Coding change: c.938A>G on transcript NM_001011551.3 (MANE Select); coding-DNA position 938, A replaced by G.
Protein change: p.Asn313Ser; replaces asparagine 313 with serine.
Molecular consequence: missense variant.
Genome position (GRCh38, 1-based): chrX:120,626,229, T>C on the plus strand (A>G on the coding strand, the complement: C1GALT1C1 is on the minus strand). VCF-style: chrX-120626229-T-C. GRCh37 (hg19) VCF-style: chrX-119760084-T-C.
Other names: NC_000023.10:g.119760084T>C; c.938A>G (NM_152692.4); c.938A>G, p.Asn313Ser (NM_152692.5); short protein forms N313S.
Identifiers: ClinVar variation 4468047 (VCV004468047.2).
Genomic context (GRCh38, chrX:120,626,229, plus strand): 5'-CGTCCTATACAAAGATCATATTCACGCTTTTCTACCACTTCTCAGTCATTGTCAGAACCA[T>C]TTGGAGGTAAGAAAACCAATGCATCATTGAAAATATGCCCAAATGCCCTAAGGCGGTATA-3'
Protein context (NP_001011551.1, residues 303-318): FNDALVFLPP[Asn313Ser]GSDND

ClinVar aggregate classification (germline): Uncertain significance (1 of 4 stars; one submission).

gnomAD v4.1: 10 of 1,209,358 alleles (0.00083%); highest among the groups gnomAD compares: Non-Finnish European, 0.0011%; no homozygotes.

Submissions (3):

Ambry Genetics
Classification: Uncertain significance. Last evaluated: 2026-06-24. Review status: criteria provided, single submitter. Criteria: Ambry Variant Classification Scheme 2023. Collection method: clinical testing. Allele origin: germline.
Comment: The c.938A>G (p.N313S) alteration is located in exon 3 (coding exon 1) of the C1GALT1C1 gene. This alteration results from a A to G substitution at nucleotide position 938, causing the asparagine (N) at amino acid position 313 to be replaced by a serine (S). Based on data from gnomAD, the G allele has an overall frequency of 0.001% (1/180284) total alleles studied. The highest observed frequency was 0.001% (1/80452) of European (non-Finnish) alleles. Based on insufficient or conflicting evidence, the clinical significance of this alteration remains unclear.

Dr. Peter K. Rogan Lab, Western University
No classification provided (evidence only). Condition: Thyroid cancer, nonmedullary, 1. Review status: no classification provided. Collection method: in vitro. Allele origin: not applicable. Functional consequence: retained intron. Not counted in ClinVar's aggregate classification.

Dr. Peter K. Rogan Lab, Western University
No classification provided (evidence only). Condition: Nonpapillary renal cell carcinoma. Review status: no classification provided. Collection method: in vitro. Allele origin: not applicable. Functional consequence: retained intron. Not counted in ClinVar's aggregate classification.